The following is an entry in ClinVar:

ClinVar aggregate classification (germline): Likely benign (1 of 4 stars; one submission).

Submission:

GeneDx
Classification: Likely benign. Last evaluated: 2017-02-10. Review status: criteria provided, single submitter. Criteria: GeneDx Variant Classification (06012015). Collection method: clinical testing. Allele origin: germline. Affected: yes.
Comment: This variant is considered likely benign or benign based on one or more of the following criteria: it is a conservative change, it occurs at a poorly conserved position in the protein, it is predicted to be benign by multiple in silico algorithms, and/or has population frequency not consistent with disease.

NM_001267550.2(TTN):c.14935+14G>A

Gene: TTN (titin; minus strand). Cytogenetic location: 2q31.2.
Variant type: single nucleotide variant.
Coding change: c.14935+14G>A on transcript NM_001267550.2 (MANE Select); 14 bases into the intron after coding-DNA position 14935, G replaced by A.
Molecular consequence: intron variant.
Genome position (GRCh38, 1-based): chr2:178,735,497, C>T on the plus strand (G>A on the coding strand, the complement: TTN is on the minus strand). VCF-style: chr2-178735497-C-T. GRCh37 (hg19) VCF-style: chr2-179600224-C-T.
Other names: c.13282+2585G>A (NM_003319.4); c.13858+2585G>A (NM_133437.4); c.13657+2585G>A (NM_133432.3); c.11203+14G>A (NM_133378.4); c.13984+14G>A (NM_001256850.1).
Identifiers: ClinVar variation 507362 (VCV000507362.1), dbSNP rs1553931045, ClinGen allele CA658796105.
Genomic context (GRCh38, chr2:178,735,497, plus strand): 5'-TGTTTGCCAACAGTTTTTCTACTGAGGATTCCTTGCAGAGAAGGGACTAGAAAATACATT[C>T]ACACGTTTCTTACCTCTGACAGTGACTGTGGCTGAGCAGGAGCTGCTTCCAGCCTCATTT-3'